The following is an entry in ClinVar:

ClinVar aggregate classification (germline): Benign/Likely benign. Review status: criteria provided, multiple submitters, no conflicts (2 of 4 stars). 10 submissions from 10 submitters: Benign (4); Likely benign (6). Last evaluated 2026-05-01.

Conditions:
Renal cell carcinoma. Identifiers: Orphanet 217071, MedGen C0007134, MeSH D002292, MONDO:0005086, HP:0005584.
Hereditary cancer-predisposing syndrome. Also called: Tumor predisposition; Hereditary neoplastic syndrome; Hereditary Cancer Syndrome; Neoplastic Syndromes, Hereditary. Identifiers: Orphanet 140162, MedGen C0027672, MeSH D009386, MONDO:0015356.
Papillary renal cell carcinoma type 1 (RCCP1). Also called: Renal adenocarcinoma; Renal cell carcinoma 1; Renal cell carcinoma, somatic; RENAL CELL CARCINOMA, PAPILLARY, 1, SOMATIC. Identifiers: Orphanet 47044, MedGen C1336839, OMIM 605074, HP:0011797.

Allele frequency attached by ClinVar (database versions not stated): gnomAD exomes 0.00019 and 0.00063; gnomAD 0.00021 and 0.00029; TOPMed 0.00045; ExAC 0.00057; 1000 Genomes Project 0.00100; 1000 Genomes Project 30x 0.00109.
gnomAD v4.1: 324 of 1,614,044 alleles (0.02%); highest among the groups gnomAD compares: East Asian, 0.57%; 1 homozygote.

Submissions (10):

CeGaT Center for Human Genetics Tuebingen
Classification: Likely benign. Last evaluated: 2026-05-01. Review status: criteria provided, single submitter. Criteria: CeGaT Center For Human Genetics Tuebingen Variant Classification Criteria Version 2. Collection method: clinical testing. Allele origin: germline. Affected: yes. Observed: 1 variant allele.
Comment: MET: BP4, BP7

Labcorp Genetics (formerly Invitae), Labcorp
Classification: Benign for Renal cell carcinoma. Last evaluated: 2026-02-03. Review status: criteria provided, single submitter. Criteria: Invitae Variant Classification Sherloc (09022015). Collection method: clinical testing. Allele origin: germline.

Center for Genomic Medicine, Rigshospitalet, Copenhagen University Hospital
Classification: Likely benign. Last evaluated: 2025-03-04. Review status: criteria provided, single submitter. Criteria: ACMG Guidelines, 2015. Collection method: clinical testing. Allele origin: germline.

Myriad Genetics, Inc.
Classification: Benign for Papillary renal cell carcinoma type 1. Last evaluated: 2024-11-15. Review status: criteria provided, single submitter. Criteria: Myriad Autosomal Dominant, Autosomal Recessive and X-Linked Classification Criteria (2023). Collection method: clinical testing. Allele origin: unknown.
Comment: This variant is considered benign. This variant is a silent/synonymous amino acid change and it is not expected to impact splicing.

Blueprint Genetics
Classification: Likely benign. Last evaluated: 2024-06-06. Review status: criteria provided, single submitter. Criteria: ACMG Guidelines, 2015. Collection method: clinical testing. Allele origin: germline.

Sema4
Classification: Likely benign for Hereditary cancer-predisposing syndrome. Last evaluated: 2020-04-28. Review status: criteria provided, single submitter. Criteria: Sema4 Curation Guidelines. Collection method: curation. Allele origin: germline.

GeneDx
Classification: Likely benign. Last evaluated: 2018-01-18. Review status: criteria provided, single submitter. Criteria: GeneDx Variant Classification (06012015). Collection method: clinical testing. Allele origin: germline. Affected: yes.
Comment: This variant is considered likely benign or benign based on one or more of the following criteria: it is a conservative change, it occurs at a poorly conserved position in the protein, it is predicted to be benign by multiple in silico algorithms, and/or has population frequency not consistent with disease.

Illumina Laboratory Services, Illumina
Classification: Benign for Papillary renal cell carcinoma type 1. Last evaluated: 2018-01-13. Review status: criteria provided, single submitter. Criteria: ICSL Variant Classification Criteria 13 December 2019. Collection method: clinical testing. Allele origin: germline.
Comment: This variant was observed in the ICSL laboratory as part of a predisposition screen in an ostensibly healthy population. It had not been previously curated by ICSL or reported in the Human Gene Mutation Database (HGMD: prior to June 1st, 2018), and was therefore a candidate for classification through an automated scoring system. Utilizing variant allele frequency, disease prevalence and penetrance estimates, and inheritance mode, an automated score was calculated to assess if this variant is too frequent to cause the disease. Based on the score and internal cut-off values, a variant classified as benign is not then subjected to further curation. The score for this variant resulted in a classification of benign for this disease.

Ambry Genetics
Classification: Likely benign for Hereditary cancer-predisposing syndrome. Last evaluated: 2014-10-21. Review status: criteria provided, single submitter. Criteria: Ambry Variant Classification Scheme 2023. Collection method: clinical testing. Allele origin: germline.

PreventionGenetics, part of Exact Sciences
Classification: Benign. Review status: criteria provided, single submitter. Criteria: ACMG Guidelines, 2015. Collection method: clinical testing. Allele origin: germline.

NM_000245.4(MET):c.4105T>C (p.Leu1369=)

Gene: MET (MET proto-oncogene, receptor tyrosine kinase; plus strand). Cytogenetic location: 7q31.2.
Variant type: single nucleotide variant.
Coding change: c.4105T>C on transcript NM_000245.4 (MANE Select); coding-DNA position 4105, T replaced by C.
Protein change: p.Leu1369=; no amino-acid change (leucine 1369 retained).
Molecular consequence: synonymous variant.
Genome position (GRCh38, 1-based): chr7:116,796,056, T>C. VCF-style: chr7-116796056-T-C. GRCh37 (hg19) VCF-style: chr7-116436110-T-C.
Other names: c.4159T>C (LRG_662t1); c.4159T>C, p.Leu1387= (NM_001127500.3); c.2815T>C, p.Leu939= (NM_001324402.2).
Identifiers: ClinVar variation 135970 (VCV000135970.32), dbSNP rs45575438, ClinGen allele CA188256.